The following is an entry in ClinVar:

NM_000540.3(RYR1):c.4298A>G (p.Tyr1433Cys)

Gene: RYR1 (ryanodine receptor 1; plus strand). Cytogenetic location: 19q13.2.
Variant type: single nucleotide variant.
Coding change: c.4298A>G on transcript NM_000540.3 (MANE Select); coding-DNA position 4298, A replaced by G.
Protein change: p.Tyr1433Cys; replaces tyrosine 1433 with cysteine.
Molecular consequence: missense variant.
Genome position (GRCh38, 1-based): chr19:38,477,714, A>G. VCF-style: chr19-38477714-A-G. GRCh37 (hg19) VCF-style: chr19-38968354-A-G.
Other names: c.4298A>G, p.Tyr1433Cys (NM_001042723.2); c.4298A>G (NM_000540.2); short protein forms Y1433C.
Identifiers: ClinVar variation 1438336 (VCV001438336.4), dbSNP rs1331110158, ClinGen allele CA405645644.
Genomic context (GRCh38, chr19:38,477,714, plus strand): 5'-GAGCCCGAGTCCCTGACTTCCAGACTGACCACTAGTTCCCCTCCTTGTGTCACCAGTACT[A>G]TTACTCCGTGAGGGTCTTTGCTGGACAGGAGCCCAGCTGCGTGTGGGCGGGCTGGGTCAC-3'
Protein context (NP_000531.2, residues 1423-1443): PEIILNTTTY[Tyr1433Cys]YSVRVFAGQE

ClinVar aggregate classification (germline): Uncertain significance. Review status: criteria provided, multiple submitters, no conflicts (2 of 4 stars). 2 submissions from 2 submitters: Uncertain significance (2). Last evaluated 2025-05-07.

Conditions:
RYR1-related disorder. Also called: RYR1-related condition; RYR1-related disorders. Identifiers: MedGen CN239331.
Inborn genetic diseases. Identifiers: MedGen C0950123, MeSH D030342.

Allele frequency attached by ClinVar (database versions not stated): TOPMed below 0.00001.
gnomAD v4.1: 2 of 1,614,034 alleles (0.00012%); highest among the groups gnomAD compares: Non-Finnish European, 0.00017%; no homozygotes.

Submissions (2):

Ambry Genetics
Classification: Uncertain significance for Inborn genetic diseases. Last evaluated: 2025-05-07. Review status: criteria provided, single submitter. Criteria: Ambry Variant Classification Scheme 2023. Collection method: clinical testing. Allele origin: germline.

Labcorp Genetics (formerly Invitae), Labcorp
Classification: Uncertain significance for RYR1-related disorder. Last evaluated: 2021-09-09. Review status: criteria provided, single submitter. Criteria: Invitae Variant Classification Sherloc (09022015). Collection method: clinical testing. Allele origin: germline.
Comment: This sequence change replaces tyrosine with cysteine at codon 1433 of the RYR1 protein (p.Tyr1433Cys). The tyrosine residue is highly conserved and there is a large physicochemical difference between tyrosine and cysteine. This variant is not present in population databases (ExAC no frequency). This variant has not been reported in the literature in individuals affected with RYR1-related conditions. Advanced modeling of protein sequence and biophysical properties (such as structural, functional, and spatial information, amino acid conservation, physicochemical variation, residue mobility, and thermodynamic stability) performed at Invitae indicates that this missense variant is expected to disrupt RYR1 protein function. In summary, the available evidence is currently insufficient to determine the role of this variant in disease. Therefore, it has been classified as a Variant of Uncertain Significance.